The following is an entry in ClinVar:

NM_000501.4(ELN):c.773C>T (p.Ala258Val)

Gene: ELN (elastin; plus strand). Cytogenetic location: 7q11.23.
Variant type: single nucleotide variant.
Coding change: c.773C>T on transcript NM_000501.4 (MANE Select); coding-DNA position 773, C replaced by T.
Protein change: p.Ala258Val; replaces alanine 258 with valine.
Molecular consequence: missense variant.
Genome position (GRCh38, 1-based): chr7:74,048,530, C>T. VCF-style: chr7-74048530-C-T. GRCh37 (hg19) VCF-style: chr7-73462860-C-T.
Other names: c.743C>T, p.Ala248Val (NM_001081752.3, NM_001278917.2); c.788C>T, p.Ala263Val (NM_001081753.3, NM_001081754.3); c.773C>T, p.Ala258Val (NM_001081755.3, NM_001278912.2, NM_001278915.2 and 1 more transcripts); c.665C>T, p.Ala222Val (NM_001278913.2); c.758C>T, p.Ala253Val (NM_001278914.2); c.731C>T, p.Ala244Val (NM_001278916.2); c.641C>T, p.Ala214Val (NM_001278918.2); short protein forms A258V, A263V, A222V, A248V, A253V, A214V, A244V.
Identifiers: ClinVar variation 1400447 (VCV001400447.8), dbSNP rs531144748, ClinGen allele CA4292688.

ClinVar aggregate classification (germline): Uncertain significance (1 of 4 stars; one submission).

Conditions:
Supravalvar aortic stenosis (SVAS). Also called: Supravalvar aortic stenosis, Eisenberg type. Identifiers: Orphanet 3193, MedGen C0003499, MONDO:0008504, OMIM 185500, HP:0004381.

Allele frequency attached by ClinVar (database versions not stated): gnomAD 0.00001; TOPMed 0.00001; gnomAD exomes 0.00002 and 0.00006; ExAC 0.00006; 1000 Genomes Project 30x 0.00016; 1000 Genomes Project 0.00020.
gnomAD v4.1: 26 of 1,613,980 alleles (0.0016%); highest among the groups gnomAD compares: South Asian, 0.018%; no homozygotes.

Submission:

Labcorp Genetics (formerly Invitae), Labcorp
Classification: Uncertain significance for Supravalvar aortic stenosis. Last evaluated: 2025-01-21. Review status: criteria provided, single submitter. Criteria: Invitae Variant Classification Sherloc (09022015). Collection method: clinical testing. Allele origin: germline.
Comment: This sequence change replaces alanine, which is neutral and non-polar, with valine, which is neutral and non-polar, at codon 258 of the ELN protein (p.Ala258Val). This variant is present in population databases (rs531144748, gnomAD 0.03%), and has an allele count higher than expected for a pathogenic variant. This variant has not been reported in the literature in individuals affected with ELN-related conditions. ClinVar contains an entry for this variant (Variation ID: 1400447). Invitae Evidence Modeling of protein sequence and biophysical properties (such as structural, functional, and spatial information, amino acid conservation, physicochemical variation, residue mobility, and thermodynamic stability) indicates that this missense variant is not expected to disrupt ELN protein function with a negative predictive value of 80%. In summary, the available evidence is currently insufficient to determine the role of this variant in disease. Therefore, it has been classified as a Variant of Uncertain Significance.